The following is an entry in ClinVar:

ClinVar aggregate classification (germline): Uncertain significance (0 of 4 stars; one submission).

Allele frequency attached by ClinVar (database versions not stated): gnomAD exomes below 0.00001.
gnomAD v4.1: 1 of 1,613,334 alleles (0.000062%); highest among the groups gnomAD compares: Middle Eastern, 0.017%; no homozygotes.

Submission:

Richard Lifton Laboratory, Yale University School of Medicine
Classification: Uncertain significance. Review status: no assertion criteria provided. Collection method: not provided. Allele origin: somatic.
Comment: MYCB2
ClinVar note: Converted during submission from unknown to Uncertain significance.

NM_015057.5(MYCBP2):c.13840A>G (p.Thr4614Ala)

Gene: MYCBP2 (MYC binding protein 2; minus strand). Cytogenetic location: 13q22.3.
Variant type: single nucleotide variant.
Coding change: c.13840A>G on transcript NM_015057.5 (MANE Select); coding-DNA position 13840, A replaced by G.
Protein change: p.Thr4614Ala; replaces threonine 4614 with alanine.
Molecular consequence: missense variant.
Genome position (GRCh38, 1-based): chr13:77,051,078, T>C on the plus strand (A>G on the coding strand, the complement: MYCBP2 is on the minus strand). VCF-style: chr13-77051078-T-C. GRCh37 (hg19) VCF-style: chr13-77625213-T-C.
Other names: short protein forms T4614A.
Identifiers: ClinVar variation 91986 (VCV000091986.2), dbSNP rs386352333, ClinGen allele CA232299.